The following is an entry in ClinVar:

ClinVar aggregate classification (germline): Pathogenic. Review status: criteria provided, multiple submitters, no conflicts (2 of 4 stars). 2 submissions from 2 submitters: Pathogenic (2). Last evaluated 2024-05-21.

Conditions:
Exostoses, multiple, type 2 (EXT2). Also called: Hereditary Multiple Osteochondromatosis, Type II; EXOSTOSES, MULTIPLE, TYPE II. Identifiers: Orphanet 321, MedGen C1851413, MONDO:0007586, OMIM 133701.

Submissions (2):

Labcorp Genetics (formerly Invitae), Labcorp
Classification: Pathogenic for Exostoses, multiple, type 2. Last evaluated: 2024-05-21. Review status: criteria provided, single submitter. Criteria: Invitae Variant Classification Sherloc (09022015). Collection method: clinical testing. Allele origin: germline.
Comment: This sequence change creates a premature translational stop signal (p.Tyr222*) in the EXT2 gene. It is expected to result in an absent or disrupted protein product. Loss-of-function variants in EXT2 are known to be pathogenic (PMID: 10679937, 19810120). This variant is not present in population databases (gnomAD no frequency). This premature translational stop signal has been observed in individual(s) with EXT2-related conditions (PMID: 9326317, 30334991). For these reasons, this variant has been classified as Pathogenic.

Juno Genomics, Hangzhou Juno Genomics, Inc
Classification: Pathogenic for Exostoses, multiple, type 2. Review status: criteria provided, single submitter. Criteria: ACMG Guidelines, 2015. Collection method: clinical testing. Allele origin: germline. Affected: yes.
Comment: Absent from controls (or at extremely low frequency if recessive) in Genome Aggregation Database, Exome Sequencing Project, 1000 Genomes Project, or Exome Aggregation Consortium.;Null variant in a gene where loss of function (LOF) is a known mechanism of disease.;Patient's phenotype or family history is highly specific for a disease with a single genetic etiology.

Literature cited by the submitters: PubMed 10679937 (cited by Labcorp Genetics (formerly Invitae), Labcorp); PubMed 19810120 (cited by Labcorp Genetics (formerly Invitae), Labcorp); PubMed 9326317 (cited by Labcorp Genetics (formerly Invitae), Labcorp); PubMed 30334991 (cited by Labcorp Genetics (formerly Invitae), Labcorp).

NM_207122.2(EXT2):c.666C>A (p.Tyr222Ter)

Gene: EXT2 (exostosin glycosyltransferase 2; plus strand). Cytogenetic location: 11p11.2.
Variant type: single nucleotide variant.
Coding change: c.666C>A on transcript NM_207122.2 (MANE Select); coding-DNA position 666, C replaced by A.
Protein change: p.Tyr222Ter; replaces tyrosine 222 with a stop codon.
Molecular consequence: nonsense.
Genome position (GRCh38, 1-based): chr11:44,114,224, C>A. VCF-style: chr11-44114224-C-A. GRCh37 (hg19) VCF-style: chr11-44135774-C-A.
Other names: c.765C>A, p.Tyr255Ter (NM_000401.3); c.666C>A, p.Tyr222Ter (NM_001178083.3, NM_001389628.1, NM_001389630.1); short protein forms Y222*, Y255*.
Identifiers: ClinVar variation 3382494 (VCV003382494.4).